The following is an entry in ClinVar:

NM_002894.3(RBBP8):c.1813-9C>A

Gene: RBBP8 (RB binding protein 8, endonuclease; plus strand). Cytogenetic location: 18q11.2.
Variant type: single nucleotide variant.
Coding change: c.1813-9C>A on transcript NM_002894.3 (MANE Select); 9 bases into the intron before coding-DNA position 1813, C replaced by A.
Molecular consequence: intron variant.
Genome position (GRCh38, 1-based): chr18:22,993,712, C>A. VCF-style: chr18-22993712-C-A. GRCh37 (hg19) VCF-style: chr18-20573675-C-A.
Other names: c.1813-9C>A (NM_203292.2, NM_203291.2).
Identifiers: ClinVar variation 1981238 (VCV001981238.6), dbSNP rs529873737, ClinGen allele CA8910143.

ClinVar aggregate classification (germline): Likely benign. Review status: criteria provided, single submitter (1 of 4 stars). 2 submissions from 2 submitters: Likely benign (1). 1 of the submissions does not count toward it. Last evaluated 2025-02-27.

Conditions:
RBBP8-related disorder. Also called: RBBP8-related condition; RBBP8-Related Disorders. Identifiers: MedGen CN239300.

Allele frequency attached by ClinVar (database versions not stated): TOPMed below 0.00001 and 0.00001; gnomAD 0.00003; gnomAD exomes 0.00007 and 0.00016; 1000 Genomes Project 30x 0.00016; ExAC 0.00018; 1000 Genomes Project 0.00020.
gnomAD v4.1: 102 of 1,614,124 alleles (0.0063%); highest among the groups gnomAD compares: South Asian, 0.11%; no homozygotes.

Submissions (2):

Labcorp Genetics (formerly Invitae), Labcorp
Classification: Likely benign. Last evaluated: 2025-02-27. Review status: criteria provided, single submitter. Criteria: Invitae Variant Classification Sherloc (09022015). Collection method: clinical testing. Allele origin: germline.

PreventionGenetics, part of Exact Sciences
Classification: Likely benign for RBBP8-related condition. Last evaluated: 2022-04-19. Review status: no assertion criteria provided. Collection method: clinical testing. Allele origin: germline. Not counted in ClinVar's aggregate classification.
Comment: This variant is classified as likely benign based on ACMG/AMP sequence variant interpretation guidelines (Richards et al. 2015 PMID: 25741868, with internal and published modifications).